The following is an entry in ClinVar:

ClinVar aggregate classification (germline): Pathogenic/Likely pathogenic. Review status: criteria provided, multiple submitters, no conflicts (2 of 4 stars). 4 submissions from 4 submitters: Pathogenic (2); Likely pathogenic (1). 1 of the submissions does not count toward it. Last evaluated 2026-08-17.

Conditions:
Intellectual disability-microcephaly-strabismus-behavioral abnormalities syndrome. Also called: White-Sutton Syndrome. Identifiers: Orphanet 468678, MedGen C4225351, MONDO:0014606, OMIM 616364.
POGZ-related disorder. Also called: POGZ-related condition.

Submissions (4):

GeneDx
Classification: Pathogenic. Last evaluated: 2026-08-17. Review status: criteria provided, single submitter. Criteria: GeneDx Variant Classification Process June 2021. Collection method: clinical testing. Allele origin: germline.
Comment: Nonsense variant predicted to result in protein truncation, as the last 547 amino acid(s) are lost, and other loss-of-function variants have been reported downstream in HGMD; Not observed at significant frequency in large population cohorts (gnomAD); This variant is associated with the following publications: (PMID: 26942287)

ARUP Laboratories, Molecular Genetics and Genomics, ARUP Laboratories
Classification: Likely pathogenic for Intellectual disability-microcephaly-strabismus-behavioral abnormalities syndrome. Last evaluated: 2024-01-03. Review status: criteria provided, single submitter. Criteria: ARUP Molecular Germline Variant Investigation Process 2024. Collection method: clinical testing. Allele origin: germline.
Comment: The POGZ c.2590C>T; p.Arg864Ter variant (rs756659230, ClinVar Variation ID: 224723) has been reported in an individual with White-Sutton syndrome (Stessman 2016). This variant is absent from the Genome Aggregation Database (v2.1.1), indicating it is not a common polymorphism. This variant induces an early termination codon and is predicted to result in a truncated protein or mRNA subject to nonsense-mediated decay. Based on available information, this variant is considered to be likely pathogenic. References: Stessman HF et al. Disruption of POGZ Is Associated with Intellectual Disability and Autism Spectrum Disorders. Am J Hum Genet. 2016 Mar 3;98(3):541-552. PMID: 26942287.

Blueprint Genetics
Classification: Pathogenic for POGZ-related disorders. Last evaluated: 2022-11-17. Review status: criteria provided, single submitter. Criteria: ACMG Guidelines, 2015. Collection method: clinical testing. Allele origin: de novo. Affected: yes. Observed: 1 variant allele.

OMIM
Classification: Pathogenic for WHITE-SUTTON SYNDROME. Last evaluated: 2022-03-29. Review status: no assertion criteria provided. Collection method: literature only. Allele origin: germline. Not counted in ClinVar's aggregate classification.

Literature cited by the submitters: PubMed 26942287 (cited by OMIM).

NM_015100.4(POGZ):c.2590C>T (p.Arg864Ter)

Gene: POGZ (pogo transposable element derived with ZNF domain; minus strand). Cytogenetic location: 1q21.3.
Variant type: single nucleotide variant.
Coding change: c.2590C>T on transcript NM_015100.4 (MANE Select); coding-DNA position 2590, C replaced by T.
Protein change: p.Arg864Ter; replaces arginine 864 with a stop codon.
Molecular consequence: nonsense.
Genome position (GRCh38, 1-based): chr1:151,406,445, G>A on the plus strand (C>T on the coding strand, the complement: POGZ is on the minus strand). VCF-style: chr1-151406445-G-A. GRCh37 (hg19) VCF-style: chr1-151378921-G-A.
Other names: c.2563C>T, p.Arg855Ter (NM_001194937.2); c.2404C>T, p.Arg802Ter (NM_001194938.2); c.2305C>T, p.Arg769Ter (NM_145796.4); c.2431C>T, p.Arg811Ter (NM_207171.2); short protein forms R864*, R811*, R769*, R855*, R802*.
Identifiers: ClinVar variation 224723 (VCV000224723.7), dbSNP rs756659230, ClinGen allele CA351485.